The following is an entry in ClinVar:

ClinVar aggregate classification (germline): Uncertain significance. Review status: criteria provided, multiple submitters, no conflicts (2 of 4 stars). 2 submissions from 2 submitters: Uncertain significance (2). Last evaluated 2025-05-12.

Conditions:
Baller-Gerold syndrome (BGS). Also called: CRANIOSYNOSTOSIS WITH RADIAL DEFECTS. Identifiers: Orphanet 1225, MedGen C0265308, MONDO:0009039, OMIM 218600.

Allele frequency attached by ClinVar (database versions not stated): gnomAD exomes below 0.00001; ExAC 0.00001; gnomAD 0.00001; TOPMed 0.00002.
gnomAD v4.1: 3 of 1,611,868 alleles (0.00019%); highest among the groups gnomAD compares: African/African-American, 0.004%; no homozygotes.

Submissions (2):

GeneDx
Classification: Uncertain significance. Last evaluated: 2025-05-12. Review status: criteria provided, single submitter. Criteria: GeneDx Variant Classification Process June 2021. Collection method: clinical testing. Allele origin: germline. Affected: yes.
Comment: Not observed at significant frequency in large population cohorts (gnomAD); Has not been previously published as pathogenic or benign to our knowledge; In silico analysis does not support a benign or deleterious effect of this variant on protein structure/function

Labcorp Genetics (formerly Invitae), Labcorp
Classification: Uncertain significance for Baller-Gerold syndrome. Last evaluated: 2023-10-29. Review status: criteria provided, single submitter. Criteria: Invitae Variant Classification Sherloc (09022015). Collection method: clinical testing. Allele origin: germline.
Comment: This sequence change replaces valine, which is neutral and non-polar, with alanine, which is neutral and non-polar, at codon 1059 of the RECQL4 protein (p.Val1059Ala). The frequency data for this variant in the population databases is considered unreliable, as metrics indicate poor data quality at this position in the gnomAD database. This variant has not been reported in the literature in individuals affected with RECQL4-related conditions. ClinVar contains an entry for this variant (Variation ID: 1040025). Advanced modeling of protein sequence and biophysical properties (such as structural, functional, and spatial information, amino acid conservation, physicochemical variation, residue mobility, and thermodynamic stability) performed at Invitae indicates that this missense variant is not expected to disrupt RECQL4 protein function with a negative predictive value of 80%. In summary, the available evidence is currently insufficient to determine the role of this variant in disease. Therefore, it has been classified as a Variant of Uncertain Significance.

NM_004260.4(RECQL4):c.3176T>C (p.Val1059Ala)

Gene: RECQL4 (RecQ like helicase 4; minus strand). Cytogenetic location: 8q24.3.
Variant type: single nucleotide variant.
Coding change: c.3176T>C on transcript NM_004260.4 (MANE Select); coding-DNA position 3176, T replaced by C.
Protein change: p.Val1059Ala; replaces valine 1059 with alanine.
Molecular consequence: missense variant.
Genome position (GRCh38, 1-based): chr8:144,512,204, A>G on the plus strand (T>C on the coding strand, the complement: RECQL4 is on the minus strand). VCF-style: chr8-144512204-A-G. GRCh37 (hg19) VCF-style: chr8-145737587-A-G.
Other names: c.3176T>C (NM_004260.3); short protein forms V1059A.
Identifiers: ClinVar variation 1040025 (VCV001040025.4), dbSNP rs779743345, ClinGen allele CA4947896.